The following is an entry in ClinVar:

NM_001018005.2(TPM1):c.251A>T (p.Asp84Val)

Gene: TPM1 (tropomyosin 1; plus strand). Cytogenetic location: 15q22.2.
Variant type: single nucleotide variant.
Coding change: c.251A>T on transcript NM_001018005.2 (MANE Select); coding-DNA position 251, A replaced by T.
Protein change: p.Asp84Val; replaces aspartic acid 84 with valine.
Molecular consequence: missense variant.
Genome position (GRCh38, 1-based): chr15:63,056,995, A>T. VCF-style: chr15-63056995-A-T. GRCh37 (hg19) VCF-style: chr15-63349194-A-T.
Other names: c.251A>T, p.Asp84Val (NM_000366.6, NM_001018004.2, NM_001018006.2 and 6 more transcripts); c.143A>T, p.Asp48Val (NM_001018008.2, NM_001301289.2, NM_001330344.2 and 5 more transcripts); c.377A>T, p.Asp126Val (NM_001365778.1); short protein forms D48V, D84V, D126V.
Identifiers: ClinVar variation 1487066 (VCV001487066.8), dbSNP rs2034909771, ClinGen allele CA392720621.
Genomic context (GRCh38, chr15:63,056,995, plus strand): 5'-CCACCCTCACTTTCTCCCCAACTCTGAAATGCTTTTCACTCTCTACCTAGGCTGAAGCCG[A>T]CGTAGCTTCTCTGAACAGACGCATCCAGCTGGTTGAGGAAGAGTTGGATCGTGCCCAGGA-3'
Protein context (NP_001018005.1, residues 74-94): AEKKATDAEA[Asp84Val]VASLNRRIQL

ClinVar aggregate classification (germline): Uncertain significance (1 of 4 stars; one submission).

Conditions:
Hypertrophic cardiomyopathy. Also called: HYPERTROPHIC MYOCARDIOPATHY. Identifiers: Orphanet 217569, MedGen C0007194, MeSH D002312, MONDO:0005045, HP:0001639.

Submission:

Labcorp Genetics (formerly Invitae), Labcorp
Classification: Uncertain significance for Hypertrophic cardiomyopathy. Last evaluated: 2022-11-03. Review status: criteria provided, single submitter. Criteria: Invitae Variant Classification Sherloc (09022015). Collection method: clinical testing. Allele origin: germline.
Comment: In summary, the available evidence is currently insufficient to determine the role of this variant in disease. Therefore, it has been classified as a Variant of Uncertain Significance. This variant disrupts the p.Asp84 amino acid residue in TPM1. Other variant(s) that disrupt this residue have been determined to be pathogenic (PMID: 23147248, 25241052, 25548289). This suggests that this residue is clinically significant, and that variants that disrupt this residue are likely to be disease-causing. Algorithms developed to predict the effect of missense changes on protein structure and function are either unavailable or do not agree on the potential impact of this missense change (SIFT: "Deleterious"; PolyPhen-2: "Possibly Damaging"; Align-GVGD: "Class C0"). ClinVar contains an entry for this variant (Variation ID: 1487066). This variant has not been reported in the literature in individuals affected with TPM1-related conditions. This variant is not present in population databases (gnomAD no frequency). This sequence change replaces aspartic acid, which is acidic and polar, with valine, which is neutral and non-polar, at codon 84 of the TPM1 protein (p.Asp84Val).

Literature cited by the submitters: PubMed 23147248; PubMed 25241052; PubMed 25548289.